The following is an entry in ClinVar:

NM_001130438.3(SPTAN1):c.363+18_363+36dup

Gene: SPTAN1 (spectrin alpha, non-erythrocytic 1; plus strand). Cytogenetic location: 9q34.11.
Variant type: Duplication.
Coding change: c.363+18_363+36dup on transcript NM_001130438.3 (MANE Select); bases 18 to 36 of the intron after coding-DNA position 363, 19 bases duplicated (GTGGAGTGGATGGCTTCAT).
Molecular consequence: intron variant.
Genome position (GRCh38, 1-based): chr9:128,568,915-128,568,933, GTGGAGTGGATGGCTTCAT duplicated. VCF-style (leftmost placement, unchanged base first): chr9-128568914-C-CGTGGAGTGGATGGCTTCAT. GRCh37 (hg19) VCF-style: chr9-131331193-C-CGTGGAGTGGATGGCTTCAT.
Other names: c.399+18_399+36dup (NM_001375318.1, NM_001375312.2); c.363+18_363+36dup (NM_001375311.2, NM_001375314.2, NM_001375310.1 and 5 more transcripts).
Identifiers: ClinVar variation 3656400 (VCV003656400.2).

ClinVar aggregate classification (germline): Uncertain significance (1 of 4 stars; one submission).

Conditions:
Early-infantile DEE. Also called: Ohtahara syndrome; Early infantile epileptic encephalopathy; Early infantile epileptic encephalopathy with suppression bursts. Identifiers: Orphanet 1934, MedGen C0393706, MONDO:0800491.

Submission:

Labcorp Genetics (formerly Invitae), Labcorp
Classification: Uncertain significance for Early-infantile DEE. Last evaluated: 2024-06-12. Review status: criteria provided, single submitter. Criteria: Invitae Variant Classification Sherloc (09022015). Collection method: clinical testing. Allele origin: germline.
Comment: This sequence change falls in intron 3 of the SPTAN1 gene. It does not directly change the encoded amino acid sequence of the SPTAN1 protein. This variant is not present in population databases (gnomAD no frequency). This variant has not been reported in the literature in individuals affected with SPTAN1-related conditions. Experimental studies and prediction algorithms are not available or were not evaluated, and the effect of this variant on mRNA splicing is currently unknown. In summary, the available evidence is currently insufficient to determine the role of this variant in disease. Therefore, it has been classified as a Variant of Uncertain Significance.